The following is an entry in ClinVar:

NM_004963.4(GUCY2C):c.61T>C (p.Ser21Pro)

Genes: GUCY2C (guanylate cyclase 2C; minus strand), GUCY2C-AS1 (GUCY2C antisense RNA 1; plus strand). Cytogenetic location: 12p12.3.
Variant type: single nucleotide variant.
Coding change: c.61T>C on transcript NM_004963.4 (MANE Select); coding-DNA position 61, T replaced by C.
Protein change: p.Ser21Pro; replaces serine 21 with proline.
Molecular consequence: missense variant.
Genome position (GRCh38, 1-based): chr12:14,696,388, A>G on the plus strand (T>C on the coding strand, the complement: GUCY2C is on the minus strand). VCF-style: chr12-14696388-A-G. GRCh37 (hg19) VCF-style: chr12-14849322-A-G.
Other names: short protein forms S21P.
Identifiers: ClinVar variation 3681332 (VCV003681332.2).

ClinVar aggregate classification (germline): Uncertain significance (1 of 4 stars; one submission).

gnomAD v4.1: 1 of 1,614,144 alleles (0.000062%); highest among the groups gnomAD compares: Non-Finnish European, 0.000085%; no homozygotes.

Submission:

Labcorp Genetics (formerly Invitae), Labcorp
Classification: Uncertain significance. Last evaluated: 2024-08-06. Review status: criteria provided, single submitter. Criteria: Invitae Variant Classification Sherloc (09022015). Collection method: clinical testing. Allele origin: germline.
Comment: This sequence change replaces serine, which is neutral and polar, with proline, which is neutral and non-polar, at codon 21 of the GUCY2C protein (p.Ser21Pro). This variant is not present in population databases (gnomAD no frequency). This variant has not been reported in the literature in individuals affected with GUCY2C-related conditions. An algorithm developed to predict the effect of missense changes on protein structure and function (PolyPhen-2) suggests that this variant is likely to be tolerated. In summary, the available evidence is currently insufficient to determine the role of this variant in disease. Therefore, it has been classified as a Variant of Uncertain Significance.